The following is an entry in ClinVar:

NM_032776.3(JMJD1C):c.2377C>T (p.Pro793Ser)

Gene: JMJD1C (jumonji domain containing 1C; minus strand). Cytogenetic location: 10q21.3.
Variant type: single nucleotide variant.
Coding change: c.2377C>T on transcript NM_032776.3 (MANE Select); coding-DNA position 2377, C replaced by T.
Protein change: p.Pro793Ser; replaces proline 793 with serine.
Molecular consequence: missense variant. On other transcripts: non-coding transcript variant (1).
Genome position (GRCh38, 1-based): chr10:63,213,790, G>A on the plus strand (C>T on the coding strand, the complement: JMJD1C is on the minus strand). VCF-style: chr10-63213790-G-A. GRCh37 (hg19) VCF-style: chr10-64973550-G-A.
Other names: c.1831C>T, p.Pro611Ser (NM_001282948.2, NM_001318154.2); c.1513C>T, p.Pro505Ser (NM_001318153.2); c.2263C>T, p.Pro755Ser (NM_001322252.2); c.1720C>T, p.Pro574Ser (NM_001322254.2, NM_001322258.2); short protein forms P793S, P574S, P755S, P611S, P505S.
Identifiers: ClinVar variation 460230 (VCV000460230.8), dbSNP rs761363257, ClinGen allele CA5518641.

ClinVar aggregate classification (germline): Uncertain significance (1 of 4 stars; one submission).

Conditions:
Early Myoclonic Encephalopathy. Identifiers: MedGen C0270855.

Allele frequency attached by ClinVar (database versions not stated): gnomAD exomes below 0.00001; ExAC 0.00001.
gnomAD v4.1: 2 of 1,614,022 alleles (0.00012%); highest among the groups gnomAD compares: Admixed American, 0.0017%; no homozygotes.

Submission:

Labcorp Genetics (formerly Invitae), Labcorp
Classification: Uncertain significance for Early Myoclonic Encephalopathy. Last evaluated: 2017-03-21. Review status: criteria provided, single submitter. Criteria: Invitae Variant Classification Sherloc (09022015). Collection method: clinical testing. Allele origin: germline.
Comment: In summary, this variant is a rare missense change with uncertain impact on protein function. There is no indication that it causes disease, but the available evidence is currently insufficient to prove that conclusively. Therefore, it has been classified as a Variant of Uncertain Significance. Algorithms developed to predict the effect of missense changes on protein structure and function do not agree on the potential impact of this missense change (SIFT: "Deleterious"; PolyPhen-2: "Probably Damaging"; Align-GVGD: "Class C0"). This sequence change replaces proline with serine at codon 793 of the JMJD1C protein (p.Pro793Ser). The proline residue is moderately conserved and there is a moderate physicochemical difference between proline and serine. This variant is present in population databases (rs761363257, ExAC 0.009%) but has not been reported in the literature in individuals with a JMJD1C-related disease.